The following is an entry in ClinVar:

NM_005359.6(SMAD4):c.1185T>G (p.Gly395=)

Gene: SMAD4 (SMAD family member 4; plus strand). Cytogenetic location: 18q21.2.
Variant type: single nucleotide variant.
Coding change: c.1185T>G on transcript NM_005359.6 (MANE Select); coding-DNA position 1185, T replaced by G.
Protein change: p.Gly395=; no amino-acid change (glycine 395 retained).
Molecular consequence: synonymous variant.
Genome position (GRCh38, 1-based): chr18:51,067,064, T>G. VCF-style: chr18-51067064-T-G. GRCh37 (hg19) VCF-style: chr18-48593434-T-G.
Other names: c.1185T>G (NM_005359.5).
Identifiers: ClinVar variation 1528848 (VCV001528848.10), dbSNP rs2144452007, ClinGen allele CA503874229.

ClinVar aggregate classification (germline): Benign/Likely benign. Review status: criteria provided, multiple submitters, no conflicts (2 of 4 stars). 3 submissions from 3 submitters: Benign (1); Likely benign (2). Last evaluated 2025-09-16.

Conditions:
Juvenile polyposis syndrome (JPS). Identifiers: Orphanet 2929, MedGen C0345893, MONDO:0017380, OMIM 174900.
Familial thoracic aortic aneurysm and aortic dissection (TAAD). Also called: Thoracic aortic aneurysms and dissections. Identifiers: Orphanet 91387, MedGen C4707243, MONDO:0019625.
Hereditary cancer-predisposing syndrome. Also called: Neoplastic Syndromes, Hereditary; Tumor predisposition; Hereditary Cancer Syndrome; Hereditary neoplastic syndrome. Identifiers: Orphanet 140162, MedGen C0027672, MeSH D009386, MONDO:0015356.
Juvenile polyposis/hereditary hemorrhagic telangiectasia syndrome (JPHT). Also called: Juvenile Polyposis Syndrome / Hereditary Hemorrhagic Telangiectasia (JPS/HHT); JP/HHT SYNDROME; JUVENILE POLYPOSIS WITH HEREDITARY HEMORRHAGIC TELANGIECTASIA; POLYPOSIS, GENERALIZED JUVENILE, WITH PULMONARY ARTERIOVENOUS MALFORMATION; TELANGIECTASIA, HEREDITARY HEMORRHAGIC, WITH JUVENILE POLYPOSIS COLI. Identifiers: Orphanet 2929, MedGen C1832942, MONDO:0008278, OMIM 175050.

Submissions (3):

Ambry Genetics
Classification: Likely benign for Hereditary cancer-predisposing syndrome; Familial thoracic aortic aneurysm and aortic dissection. Last evaluated: 2025-09-16. Review status: criteria provided, single submitter. Criteria: Ambry Variant Classification Scheme 2023. Collection method: clinical testing. Allele origin: germline.

Myriad Genetics, Inc.
Classification: Benign for Juvenile polyposis/hereditary hemorrhagic telangiectasia syndrome. Last evaluated: 2025-03-21. Review status: criteria provided, single submitter. Criteria: Myriad Autosomal Dominant, Autosomal Recessive and X-Linked Classification Criteria (2023). Collection method: clinical testing. Allele origin: unknown.
Comment: This variant is considered benign. This variant is a silent/synonymous amino acid change and it is not expected to impact splicing.

Labcorp Genetics (formerly Invitae), Labcorp
Classification: Likely benign for Juvenile polyposis syndrome. Last evaluated: 2021-10-25. Review status: criteria provided, single submitter. Criteria: Invitae Variant Classification Sherloc (09022015). Collection method: clinical testing. Allele origin: germline.